The following is an entry in ClinVar:

NM_005257.6(GATA6):c.1575T>G (p.Asp525Glu)

Gene: GATA6 (GATA binding protein 6; plus strand). Cytogenetic location: 18q11.2.
Variant type: single nucleotide variant.
Coding change: c.1575T>G on transcript NM_005257.6 (MANE Select); coding-DNA position 1575, T replaced by G.
Protein change: p.Asp525Glu; replaces aspartic acid 525 with glutamic acid.
Molecular consequence: missense variant.
Genome position (GRCh38, 1-based): chr18:22,182,998, T>G. VCF-style: chr18-22182998-T-G. GRCh37 (hg19) VCF-style: chr18-19762959-T-G.
Other names: short protein forms D525E.
Identifiers: ClinVar variation 3021899 (VCV003021899.3), dbSNP rs2510632521, ClinGen allele CA401802899.

ClinVar aggregate classification (germline): Uncertain significance (1 of 4 stars; one submission).

Conditions:
Atrioventricular septal defect 5 (AVSD5). Identifiers: MedGen C3280939, MONDO:0013769, OMIM 614474.

Allele frequency attached by ClinVar (database versions not stated): gnomAD exomes below 0.00001.
gnomAD v4.1: 2 of 1,614,126 alleles (0.00012%); highest among the groups gnomAD compares: Non-Finnish European, 0.00017%; no homozygotes.

Submission:

Labcorp Genetics (formerly Invitae), Labcorp
Classification: Uncertain significance for Atrioventricular septal defect 5. Last evaluated: 2025-12-08. Review status: criteria provided, single submitter. Criteria: Invitae Variant Classification Sherloc (09022015). Collection method: clinical testing. Allele origin: germline.
Comment: This sequence change replaces aspartic acid, which is acidic and polar, with glutamic acid, which is acidic and polar, at codon 525 of the GATA6 protein (p.Asp525Glu). This variant is not present in population databases (gnomAD no frequency). This variant has not been reported in the literature in individuals affected with GATA6-related conditions. ClinVar contains an entry for this variant (Variation ID: 3021899). Invitae Evidence Modeling of protein sequence and biophysical properties (such as structural, functional, and spatial information, amino acid conservation, physicochemical variation, residue mobility, and thermodynamic stability) indicates that this missense variant is not expected to disrupt GATA6 protein function with a negative predictive value of 80%. In summary, the available evidence is currently insufficient to determine the role of this variant in disease. Therefore, it has been classified as a Variant of Uncertain Significance.